The following is an entry in ClinVar:

NM_002485.5(NBN):c.231T>A (p.Phe77Leu)

Gene: NBN (nibrin; minus strand). Cytogenetic location: 8q21.3.
Variant type: single nucleotide variant.
Coding change: c.231T>A on transcript NM_002485.5 (MANE Select); coding-DNA position 231, T replaced by A.
Protein change: p.Phe77Leu; replaces phenylalanine 77 with leucine.
Molecular consequence: missense variant. On other transcripts: 5 prime UTR variant (1).
Genome position (GRCh38, 1-based): chr8:89,981,464, A>T on the plus strand (T>A on the coding strand, the complement: NBN is on the minus strand). VCF-style: chr8-89981464-A-T. GRCh37 (hg19) VCF-style: chr8-90993692-A-T.
Other names: c.-16T>A (NM_001024688.3); short protein forms F77L.
Identifiers: ClinVar variation 483946 (VCV000483946.26), dbSNP rs1554568336, ClinGen allele CA371662521.

ClinVar aggregate classification (germline): Uncertain significance. Review status: criteria provided, multiple submitters, no conflicts (2 of 4 stars). 6 submissions from 6 submitters: Uncertain significance (5). 1 of the submissions does not count toward it. Last evaluated 2024-10-26.

Conditions:
Hereditary cancer-predisposing syndrome. Also called: Hereditary neoplastic syndrome; Neoplastic Syndromes, Hereditary; Tumor predisposition; Hereditary Cancer Syndrome. Identifiers: Orphanet 140162, MedGen C0027672, MeSH D009386, MONDO:0015356.
Microcephaly, normal intelligence and immunodeficiency (NBS). Also called: IMMUNODEFICIENCY, MICROCEPHALY, AND CHROMOSOMAL INSTABILITY; SEEMANOVA SYNDROME II; Nijmegen breakage syndrome; Microcephaly with normal intelligence immunodeficiency and lymphoreticular malignancies; Nonsyndromal microcephaly autosomal recessive with normal intelligence; Seemanova syndrome 2. Identifiers: Orphanet 647, MedGen C0398791, MONDO:0009623, OMIM 251260.

Allele frequency attached by ClinVar (database versions not stated): gnomAD exomes below 0.00001.

Submissions (6):

Labcorp Genetics (formerly Invitae), Labcorp
Classification: Uncertain significance for Microcephaly, normal intelligence and immunodeficiency. Last evaluated: 2024-10-26. Review status: criteria provided, single submitter. Criteria: Invitae Variant Classification Sherloc (09022015). Collection method: clinical testing. Allele origin: germline.
Comment: This sequence change replaces phenylalanine, which is neutral and non-polar, with leucine, which is neutral and non-polar, at codon 77 of the NBN protein (p.Phe77Leu). This variant is not present in population databases (gnomAD no frequency). This variant has not been reported in the literature in individuals affected with NBN-related conditions. ClinVar contains an entry for this variant (Variation ID: 483946). An algorithm developed to predict the effect of missense changes on protein structure and function (PolyPhen-2) suggests that this variant is likely to be disruptive. In summary, the available evidence is currently insufficient to determine the role of this variant in disease. Therefore, it has been classified as a Variant of Uncertain Significance.

Quest Diagnostics Nichols Institute San Juan Capistrano
Classification: Uncertain significance. Last evaluated: 2024-02-19. Review status: criteria provided, single submitter. Criteria: Quest Diagnostics criteria. Collection method: clinical testing. Allele origin: unknown.
Comment: The NBN c.231T>A (p.Phe77Leu) variant has been reported in the published literature in ZZZZ The frequency of this variant in the general population, 0.0000066 (1/152214 chromosomes (Genome Aggregation Database)), is uninformative in the assessment of its pathogenicity. Analysis of this variant using bioinformatics tools for the prediction of the effect of amino acid changes on protein structure and function yielded conflicting predictions that this variant is benign or damaging. Based on the available information, we are unable to determine the clinical significance of this variant.

Ambry Genetics
Classification: Uncertain significance for Hereditary cancer-predisposing syndrome. Last evaluated: 2023-06-26. Review status: criteria provided, single submitter. Criteria: Ambry Variant Classification Scheme 2023. Collection method: clinical testing. Allele origin: germline.
Comment: The p.F77L variant (also known as c.231T>A), located in coding exon 3 of the NBN gene, results from a T to A substitution at nucleotide position 231. The phenylalanine at codon 77 is replaced by leucine, an amino acid with highly similar properties. This amino acid position is well conserved in available vertebrate species. In addition, the in silico prediction for this alteration is inconclusive. Since supporting evidence is limited at this time, the clinical significance of this alteration remains unclear.

Genome-Nilou Lab
Classification: Uncertain significance for Microcephaly, normal intelligence and immunodeficiency. Last evaluated: 2021-11-07. Review status: criteria provided, single submitter. Criteria: ACMG Guidelines, 2015. Collection method: clinical testing. Allele origin: germline. Affected: no.

GeneDx
Classification: Uncertain significance. Last evaluated: 2019-06-03. Review status: criteria provided, single submitter. Criteria: GeneDx Variant Classification Process June 2021. Collection method: clinical testing. Allele origin: germline. Affected: yes.
Comment: Not observed in large population cohorts (Lek et al., 2016); Has not been previously published as pathogenic or benign to our knowledge

Natera, Inc.
Classification: Uncertain significance for Nijmegen breakage syndrome. Last evaluated: 2021-01-05. Review status: no assertion criteria provided. Collection method: clinical testing. Allele origin: germline. Not counted in ClinVar's aggregate classification.

Literature cited by the submitters: PubMed 32658311 (cited by Quest Diagnostics Nichols Institute San Juan Capistrano).